The following is an entry in ClinVar:

NM_001099403.2(PRDM8):c.998G>T (p.Arg333Leu)

Genes: PRDM8 (PR/SET domain 8; plus strand), LOC129992744 (ATAC-STARR-seq lymphoblastoid silent region 15521; plus strand). Cytogenetic location: 4q21.21.
Variant type: single nucleotide variant.
Coding change: c.998G>T on transcript NM_001099403.2 (MANE Select); coding-DNA position 998, G replaced by T.
Protein change: p.Arg333Leu; replaces arginine 333 with leucine.
Molecular consequence: missense variant.
Genome position (GRCh38, 1-based): chr4:80,202,460, G>T. VCF-style: chr4-80202460-G-T. GRCh37 (hg19) VCF-style: chr4-81123614-G-T.
Other names: c.998G>T, p.Arg333Leu (NM_020226.4); short protein forms R333L.
Identifiers: ClinVar variation 575961 (VCV000575961.9), dbSNP rs1323000516, ClinGen allele CA357397590.

ClinVar aggregate classification (germline): Uncertain significance (1 of 4 stars; one submission).

Conditions:
Early-onset Lafora body disease. Also called: Epilepsy, progressive myoclonic, 10. Identifiers: Orphanet 324290, MedGen C4225258, MONDO:0014717, OMIM 616640.

Submission:

Labcorp Genetics (formerly Invitae), Labcorp
Classification: Uncertain significance for Early-onset Lafora body disease. Last evaluated: 2018-04-18. Review status: criteria provided, single submitter. Criteria: Invitae Variant Classification Sherloc (09022015). Collection method: clinical testing. Allele origin: germline.
Comment: In summary, the available evidence is currently insufficient to determine the role of this variant in disease. Therefore, it has been classified as a Variant of Uncertain Significance. Algorithms developed to predict the effect of missense changes on protein structure and function do not agree on the potential impact of this missense change (SIFT: "Deleterious"; PolyPhen-2: "Possibly Damaging"; Align-GVGD: "Class C0"). This variant has not been reported in the literature in individuals with PRDM8-related disease. While this variant is not present in population databases, the frequency information is unreliable, as metrics indicate poor data quality at this position in the ExAC database. This sequence change replaces arginine with leucine at codon 333 of the PRDM8 protein (p.Arg333Leu). The arginine residue is moderately conserved and there is a moderate physicochemical difference between arginine and leucine.